The following is an entry in ClinVar:

ClinVar aggregate classification (germline): Likely pathogenic (1 of 4 stars; one submission).

Submission:

GeneDx
Classification: Likely pathogenic. Last evaluated: 2025-02-22. Review status: criteria provided, single submitter. Criteria: GeneDx Variant Classification Process June 2021. Collection method: clinical testing. Allele origin: germline. Affected: yes.
Comment: Not observed at significant frequency in large population cohorts (gnomAD); In silico analysis is inconclusive as to whether the variant alters gene splicing. In the absence of RNA/functional studies, the actual effect of this sequence change is unknown.; Has not been previously published as pathogenic or benign to our knowledge

NM_003482.4(KMT2D):c.6183G>C (p.Leu2061=)

Gene: KMT2D (lysine methyltransferase 2D; minus strand). Cytogenetic location: 12q13.12.
Variant type: single nucleotide variant.
Coding change: c.6183G>C on transcript NM_003482.4 (MANE Select); coding-DNA position 6183, G replaced by C.
Protein change: p.Leu2061=; no amino-acid change (leucine 2061 retained).
Molecular consequence: synonymous variant.
Genome position (GRCh38, 1-based): chr12:49,041,917, C>G on the plus strand (G>C on the coding strand, the complement: KMT2D is on the minus strand). VCF-style: chr12-49041917-C-G. GRCh37 (hg19) VCF-style: chr12-49435700-C-G.
Identifiers: ClinVar variation 4076577 (VCV004076577.1).